The following is an entry in ClinVar:

NM_001375405.1(CEP120):c.1333A>T (p.Ile445Phe)

Gene: CEP120 (centrosomal protein 120; minus strand). Cytogenetic location: 5q23.2.
Variant type: single nucleotide variant.
Coding change: c.1333A>T on transcript NM_001375405.1 (MANE Select); coding-DNA position 1333, A replaced by T.
Protein change: p.Ile445Phe; replaces isoleucine 445 with phenylalanine.
Molecular consequence: missense variant. On other transcripts: non-coding transcript variant (1).
Genome position (GRCh38, 1-based): chr5:123,388,529, T>A on the plus strand (A>T on the coding strand, the complement: CEP120 is on the minus strand). VCF-style: chr5-123388529-T-A. GRCh37 (hg19) VCF-style: chr5-122724223-T-A.
Other names: c.1255A>T, p.Ile419Phe (NM_001166226.2); c.1198A>T, p.Ile400Phe (NM_001375406.1); c.1333A>T, p.Ile445Phe (NM_001375407.1, NM_153223.4); c.760A>T, p.Ile254Phe (NM_001375408.1, NM_001375409.1); short protein forms I254F, I400F, I419F, I445F.
Identifiers: ClinVar variation 942866 (VCV000942866.7), dbSNP rs753763495, ClinGen allele CA3387003.

ClinVar aggregate classification (germline): Conflicting classifications of pathogenicity. Review status: criteria provided, conflicting classifications (1 of 4 stars). 4 submissions from 4 submitters: Uncertain significance (2); Likely benign (2). Last evaluated 2024-11-21.

Conditions:
Inborn genetic diseases. Identifiers: MedGen C0950123, MeSH D030342.
Short-rib thoracic dysplasia 13 with or without polydactyly (SRTD13). Identifiers: Orphanet 474, MedGen C4225378, MONDO:0014577, OMIM 616300.

Allele frequency attached by ClinVar (database versions not stated): gnomAD exomes 0.00006 and 0.00009; ExAC 0.00008; gnomAD 0.00008 and 0.00009; TOPMed 0.00012.
gnomAD v4.1: 111 of 1,611,208 alleles (0.0069%); highest among the groups gnomAD compares: Middle Eastern, 0.099%; no homozygotes.

Submissions (4):

Blueprint Genetics
Classification: Uncertain significance. Last evaluated: 2024-11-21. Review status: criteria provided, single submitter. Criteria: ACMG Guidelines, 2015. Collection method: clinical testing. Allele origin: germline.

Ambry Genetics
Classification: Likely benign for Inborn genetic diseases. Last evaluated: 2023-10-30. Review status: criteria provided, single submitter. Criteria: Ambry Variant Classification Scheme 2023. Collection method: clinical testing. Allele origin: germline.

Labcorp Genetics (formerly Invitae), Labcorp
Classification: Uncertain significance for Short-rib thoracic dysplasia 13 with or without polydactyly. Last evaluated: 2022-09-01. Review status: criteria provided, single submitter. Criteria: Invitae Variant Classification Sherloc (09022015). Collection method: clinical testing. Allele origin: germline.
Comment: This sequence change replaces isoleucine, which is neutral and non-polar, with phenylalanine, which is neutral and non-polar, at codon 445 of the CEP120 protein (p.Ile445Phe). This variant is present in population databases (rs753763495, gnomAD 0.04%). This variant has not been reported in the literature in individuals affected with CEP120-related conditions. ClinVar contains an entry for this variant (Variation ID: 942866). Algorithms developed to predict the effect of missense changes on protein structure and function are either unavailable or do not agree on the potential impact of this missense change (SIFT: "Deleterious"; PolyPhen-2: "Benign"; Align-GVGD: "Class C0"). In summary, the available evidence is currently insufficient to determine the role of this variant in disease. Therefore, it has been classified as a Variant of Uncertain Significance.

GeneDx
Classification: Likely benign. Last evaluated: 2019-10-07. Review status: criteria provided, single submitter. Criteria: GeneDx Variant Classification Process June 2021. Collection method: clinical testing. Allele origin: germline. Affected: yes.